The following is an entry in ClinVar:

ClinVar aggregate classification (germline): Uncertain significance (1 of 4 stars; one submission).

gnomAD v4.1: 10 of 1,553,848 alleles (0.00064%); highest among the groups gnomAD compares: African/African-American, 0.0014%; no homozygotes.

Submission:

Labcorp Genetics (formerly Invitae), Labcorp
Classification: Uncertain significance. Last evaluated: 2023-07-17. Review status: criteria provided, single submitter. Criteria: Invitae Variant Classification Sherloc (09022015). Collection method: clinical testing. Allele origin: germline.
Comment: ClinVar contains an entry for this variant (Variation ID: 1509838). This variant has not been reported in the literature in individuals affected with CAD-related conditions. This variant is not present in population databases (gnomAD no frequency). This sequence change replaces proline, which is neutral and non-polar, with serine, which is neutral and polar, at codon 1689 of the CAD protein (p.Pro1689Ser). An algorithm developed to predict the effect of missense changes on protein structure and function (PolyPhen-2) suggests that this variant is likely to be disruptive. In summary, the available evidence is currently insufficient to determine the role of this variant in disease. Therefore, it has been classified as a Variant of Uncertain Significance.

NM_004341.5(CAD):c.5065C>T (p.Pro1689Ser)

Gene: CAD (carbamoyl-phosphate synthetase 2, aspartate transcarbamylase, and dihydroorotase; plus strand). Cytogenetic location: 2p23.3.
Variant type: single nucleotide variant.
Coding change: c.5065C>T on transcript NM_004341.5 (MANE Select); coding-DNA position 5065, C replaced by T.
Protein change: p.Pro1689Ser; replaces proline 1689 with serine.
Molecular consequence: missense variant.
Genome position (GRCh38, 1-based): chr2:27,239,044, C>T. VCF-style: chr2-27239044-C-T. GRCh37 (hg19) VCF-style: chr2-27461912-C-T.
Other names: c.4876C>T, p.Pro1626Ser (NM_001306079.2); short protein forms P1626S, P1689S.
Identifiers: ClinVar variation 1509838 (VCV001509838.6), dbSNP rs2148090834, ClinGen allele CA346222051.
Genomic context (GRCh38, chr2:27,239,044, plus strand): 5'-GTGACTTCCTAGACATGGAGGTGATTGGTCCTGAGGGTAATGGCTTTCTTTCTCCCAGCT[C>T]CCCATACCTTGGAGGAGAAGTGTGGGTCCAGGCCCCCACCTGGGTTCCCAGGGTTAGAGA-3'
Protein context (NP_004332.2, residues 1679-1699): VIDCFASDHA[Pro1689Ser]HTLEEKCGSR